The following is an entry in ClinVar:

ClinVar aggregate classification (germline): Pathogenic (1 of 4 stars; one submission).

Submission:

GeneDx
Classification: Pathogenic. Last evaluated: 2025-04-18. Review status: criteria provided, single submitter. Criteria: GeneDx Variant Classification Process June 2021. Collection method: clinical testing. Allele origin: germline. Affected: yes.
Comment: In silico analysis supports that this missense variant has a deleterious effect on protein structure/function; Missense variants in this gene are a common cause of disease and they are underrepresented in the general population; Not observed at significant frequency in large population cohorts (gnomAD); This variant is associated with the following publications: (PMID: 24860126)

NM_178012.5(TUBB2B):c.832A>G (p.Ser278Gly)

Gene: TUBB2B (tubulin beta 2B class IIb; minus strand). Cytogenetic location: 6p25.2.
Variant type: single nucleotide variant.
Coding change: c.832A>G on transcript NM_178012.5 (MANE Select); coding-DNA position 832, A replaced by G.
Protein change: p.Ser278Gly; replaces serine 278 with glycine.
Molecular consequence: missense variant.
Genome position (GRCh38, 1-based): chr6:3,225,257, T>C on the plus strand (A>G on the coding strand, the complement: TUBB2B is on the minus strand). VCF-style: chr6-3225257-T-C. GRCh37 (hg19) VCF-style: chr6-3225491-T-C.
Other names: short protein forms S278G.
Identifiers: ClinVar variation 4282348 (VCV004282348.1).